The following is an entry in ClinVar:

ClinVar aggregate classification (germline): Conflicting classifications of pathogenicity. Review status: criteria provided, conflicting classifications (1 of 4 stars). 6 submissions from 6 submitters: Likely pathogenic (1); Uncertain significance (4). 1 of the submissions does not count toward it. Last evaluated 2025-04-23.

Conditions:
Inborn genetic diseases. Identifiers: MedGen C0950123, MeSH D030342.
Neuromuscular disease caused by qualitative or quantitative defects of dysferlin. Also called: Dysferlinopathy; Qualitative or quantitative defects of dysferlin. Identifiers: Orphanet 207073, MedGen C2931687, MONDO:0016145.
Autosomal recessive limb-girdle muscular dystrophy type 2B (LGMDR2). Also called: MUSCULAR DYSTROPHY, LIMB-GIRDLE, AUTOSOMAL RECESSIVE 2; MUSCULAR DYSTROPHY, LIMB-GIRDLE, TYPE 3; Limb-girdle muscular dystrophy, type 2B; Limb-Girdle Muscular Dystrophy Type 2B (LGMD2B). Identifiers: Orphanet 268, MedGen C1850889, MONDO:0009676, OMIM 253601.

Allele frequency attached by ClinVar (database versions not stated): gnomAD exomes 0.00002; ExAC 0.00003; TOPMed 0.00003; gnomAD 0.00004 and 0.00005.
gnomAD v4.1: 34 of 1,613,982 alleles (0.0021%); highest among the groups gnomAD compares: African/African-American, 0.016%; no homozygotes.

Submissions (6):

Labcorp Genetics (formerly Invitae), Labcorp
Classification: Likely pathogenic for Neuromuscular disease caused by qualitative or quantitative defects of dysferlin. Last evaluated: 2025-04-23. Review status: criteria provided, single submitter. Criteria: Invitae Variant Classification Sherloc (09022015). Collection method: clinical testing. Allele origin: germline.
Comment: This sequence change replaces arginine, which is basic and polar, with cysteine, which is neutral and slightly polar, at codon 1046 of the DYSF protein (p.Arg1046Cys). This variant is present in population databases (rs752810646, gnomAD 0.02%). This variant has not been reported in the literature in individuals affected with DYSF-related conditions. ClinVar contains an entry for this variant (Variation ID: 447285). Invitae Evidence Modeling of protein sequence and biophysical properties (such as structural, functional, and spatial information, amino acid conservation, physicochemical variation, residue mobility, and thermodynamic stability) indicates that this missense variant is expected to disrupt DYSF protein function with a positive predictive value of 95%. This variant disrupts the p.Arg1046 amino acid residue in DYSF. Other variant(s) that disrupt this residue have been determined to be pathogenic (PMID: 11468312, 18853459, 25591676, 27647186). This suggests that this residue is clinically significant, and that variants that disrupt this residue are likely to be disease-causing. In summary, the currently available evidence indicates that the variant is pathogenic, but additional data are needed to prove that conclusively. Therefore, this variant has been classified as Likely Pathogenic.

Ambry Genetics
Classification: Uncertain significance for Inborn genetic diseases. Last evaluated: 2025-04-08. Review status: criteria provided, single submitter. Criteria: Ambry Variant Classification Scheme 2023. Collection method: clinical testing. Allele origin: germline.

GeneDx
Classification: Uncertain significance. Last evaluated: 2025-02-09. Review status: criteria provided, single submitter. Criteria: GeneDx Variant Classification Process June 2021. Collection method: clinical testing. Allele origin: germline. Affected: yes.
Comment: In silico analysis supports that this missense variant has a deleterious effect on protein structure/function; Has not been previously published as pathogenic or benign to our knowledge; This variant is associated with the following publications: (PMID: 24438169)

Revvity Omics, Revvity
Classification: Uncertain significance. Last evaluated: 2019-07-12. Review status: criteria provided, single submitter. Criteria: ACMG Guidelines, 2015. Collection method: clinical testing. Allele origin: germline.

Athena Diagnostics
Classification: Uncertain significance. Last evaluated: 2016-10-05. Review status: criteria provided, single submitter. Criteria: Athena Diagnostics Criteria. Collection method: clinical testing. Allele origin: germline.

Natera, Inc.
Classification: Uncertain significance for Limb-girdle muscular dystrophy type 2B. Last evaluated: 2019-10-28. Review status: no assertion criteria provided. Collection method: clinical testing. Allele origin: germline. Not counted in ClinVar's aggregate classification.

Literature cited by the submitters: PubMed 11468312 (cited by Labcorp Genetics (formerly Invitae), Labcorp); PubMed 18853459 (cited by Labcorp Genetics (formerly Invitae), Labcorp); PubMed 25591676 (cited by Labcorp Genetics (formerly Invitae), Labcorp); PubMed 27647186 (cited by Labcorp Genetics (formerly Invitae), Labcorp).

NM_001130987.2(DYSF):c.3190C>T (p.Arg1064Cys)

Gene: DYSF (dysferlin; plus strand). Cytogenetic location: 2p13.2.
Variant type: single nucleotide variant.
Coding change: c.3190C>T on transcript NM_001130987.2 (MANE Select); coding-DNA position 3190, C replaced by T.
Protein change: p.Arg1064Cys; replaces arginine 1064 with cysteine.
Molecular consequence: missense variant.
Genome position (GRCh38, 1-based): chr2:71,570,703, C>T. VCF-style: chr2-71570703-C-T. GRCh37 (hg19) VCF-style: chr2-71797833-C-T.
Other names: c.3139C>T, p.Arg1047Cys (NM_001130455.2, NM_001130983.2); c.3094C>T, p.Arg1032Cys (NM_001130976.2, NM_001130977.2); c.3136C>T, p.Arg1046Cys (NM_001130978.2, NM_003494.4); c.3229C>T, p.Arg1077Cys (NM_001130979.2); c.3187C>T, p.Arg1063Cys (NM_001130980.2, NM_001130981.2); c.3232C>T, p.Arg1078Cys (NM_001130982.2); c.3097C>T, p.Arg1033Cys (NM_001130984.2, NM_001130986.2); c.3190C>T, p.Arg1064Cys (NM_001130985.2); short protein forms R1046C, R1064C, R1032C, R1033C, R1077C, R1078C, R1047C, R1063C.
Identifiers: ClinVar variation 447285 (VCV000447285.14), dbSNP rs752810646, ClinGen allele CA1706459.